The following is an entry in ClinVar:

NM_004168.4(SDHA):c.1808A>G (p.Glu603Gly)

Gene: SDHA (succinate dehydrogenase complex flavoprotein subunit A; plus strand). Cytogenetic location: 5p15.33.
Variant type: single nucleotide variant.
Coding change: c.1808A>G on transcript NM_004168.4 (MANE Select); coding-DNA position 1808, A replaced by G.
Protein change: p.Glu603Gly; replaces glutamic acid 603 with glycine.
Molecular consequence: missense variant.
Genome position (GRCh38, 1-based): chr5:254,406, A>G. VCF-style: chr5-254406-A-G. GRCh37 (hg19) VCF-style: chr5-254521-A-G.
Other names: c.1664A>G, p.Glu555Gly (NM_001294332.2); c.1565A>G, p.Glu522Gly (NM_001330758.2); c.1808A>G (NM_004168.2); short protein forms E555G, E603G, E522G.
Identifiers: ClinVar variation 1043269 (VCV001043269.10), dbSNP rs1737044250, ClinGen allele CA359001672.
Genomic context (GRCh38, chr5:254,406, plus strand): 5'-TTGCTCTGTTAGAGTAATAAGAAACGTGATGGTGTTTCTGGCCTCAGGTGCGGATTGATG[A>G]GTACGATTACTCCAAGCCCATCCAGGGGCAACAGAAGAAGCCCTTTGAGGAGCACTGGAG-3'
Protein context (NP_004159.2, residues 593-613): AREDYKVRID[Glu603Gly]YDYSKPIQGQ

ClinVar aggregate classification (germline): Uncertain significance. Review status: criteria provided, multiple submitters, no conflicts (2 of 4 stars). 2 submissions from 2 submitters: Uncertain significance (2). Last evaluated 2024-03-11.

Conditions:
Mitochondrial complex II deficiency, nuclear type 1. Also called: SUCCINATE CoQ REDUCTASE DEFICIENCY. Identifiers: Orphanet 3208, MedGen C5700310, MONDO:0100294, OMIM 252011.
Pheochromocytoma/paraganglioma syndrome 5. Also called: Paragangliomas 5; SDHA-Related Hereditary Paraganglioma-Pheochromocytoma Syndrome. Identifiers: Orphanet 29072, MedGen C3279992, MONDO:0013602, OMIM 614165.
Hereditary cancer-predisposing syndrome. Also called: Tumor predisposition; Hereditary neoplastic syndrome; Neoplastic Syndromes, Hereditary; Hereditary Cancer Syndrome. Identifiers: Orphanet 140162, MedGen C0027672, MeSH D009386, MONDO:0015356.

Submissions (2):

Ambry Genetics
Classification: Uncertain significance for Hereditary cancer-predisposing syndrome. Last evaluated: 2024-03-11. Review status: criteria provided, single submitter. Criteria: Ambry Variant Classification Scheme 2023. Collection method: clinical testing. Allele origin: germline.
Comment: The p.E603G variant (also known as c.1808A>G), located in coding exon 14 of the SDHA gene, results from an A to G substitution at nucleotide position 1808. The glutamic acid at codon 603 is replaced by glycine, an amino acid with similar properties. This amino acid position is highly conserved in available vertebrate species. In addition, this alteration is predicted to be deleterious by in silico analysis. Based on the available evidence, the clinical significance of this alteration remains unclear.

Labcorp Genetics (formerly Invitae), Labcorp
Classification: Uncertain significance for Pheochromocytoma/paraganglioma syndrome 5; Mitochondrial complex II deficiency, nuclear type 1. Last evaluated: 2020-06-06. Review status: criteria provided, single submitter. Criteria: Invitae Variant Classification Sherloc (09022015). Collection method: clinical testing. Allele origin: germline.
Comment: This sequence change replaces glutamic acid with glycine at codon 603 of the SDHA protein (p.Glu603Gly). The glutamic acid residue is highly conserved and there is a moderate physicochemical difference between glutamic acid and glycine. This variant is not present in population databases (ExAC no frequency). This variant has been observed in individual(s) with pheochromocytoma (PMID: 26700204). Algorithms developed to predict the effect of missense changes on protein structure and function are either unavailable or do not agree on the potential impact of this missense change (SIFT: "Deleterious"; PolyPhen-2: "Benign"; Align-GVGD: "Class C65"). Algorithms developed to predict the effect of sequence changes on RNA splicing suggest that this variant may create or strengthen a splice site, but this prediction has not been confirmed by published transcriptional studies. In summary, the available evidence is currently insufficient to determine the role of this variant in disease. Therefore, it has been classified as a Variant of Uncertain Significance.

Literature cited by the submitters: PubMed 26700204 (cited by Labcorp Genetics (formerly Invitae), Labcorp).